The following is an entry in ClinVar:

NM_001384910.1(GUCA1A):c.202-4C>A

Genes: GUCA1A (guanylate cyclase activator 1A; plus strand), GUCA1ANB-GUCA1A (GUCA1ANB-GUCA1A readthrough; plus strand). Cytogenetic location: 6p21.1.
Variant type: single nucleotide variant.
Coding change: c.202-4C>A on transcript NM_001384910.1 (MANE Select); 4 bases into the intron before coding-DNA position 202, C replaced by A.
Molecular consequence: intron variant.
Genome position (GRCh38, 1-based): chr6:42,178,276, C>A. VCF-style: chr6-42178276-C-A. GRCh37 (hg19) VCF-style: chr6-42146014-C-A.
Other names: c.202-4C>A (NM_001319061.2, NM_000409.5, NM_001319062.2).
Identifiers: ClinVar variation 1168023 (VCV001168023.12), dbSNP rs376306552, ClinGen allele CA3805315.
Genomic context (GRCh38, chr6:42,178,276, plus strand): 5'-CGGGGCCTGAGGCTGGAGTGAGCGGGGCCCGGATGGGCTCACGGCGGCCGCGCCCCTCGC[C>A]CAGGACGGCTACATTGATTTCATGGAGTACGTGGCAGCGCTCAGCTTGGTCCTCAAGGGG-3'

ClinVar aggregate classification (germline): Benign/Likely benign. Review status: criteria provided, multiple submitters, no conflicts (2 of 4 stars). 3 submissions from 3 submitters: Benign (1); Likely benign (1). 1 of the submissions does not count toward it. Last evaluated 2025-12-11.

Conditions:
GUCA1A-related disorder. Also called: GUCA1A-related condition.

Allele frequency attached by ClinVar (database versions not stated): gnomAD exomes 0.00004 and 0.00006; ExAC 0.00008; 1000 Genomes Project 30x 0.00031; ESP Exome Variant Server 0.00031; TOPMed 0.00034; gnomAD 0.00036 and 0.00038.
gnomAD v4.1: 110 of 1,613,518 alleles (0.0068%); highest among the groups gnomAD compares: African/African-American, 0.14%; 1 homozygote.

Submissions (3):

Labcorp Genetics (formerly Invitae), Labcorp
Classification: Benign. Last evaluated: 2025-12-11. Review status: criteria provided, single submitter. Criteria: Invitae Variant Classification Sherloc (09022015). Collection method: clinical testing. Allele origin: germline.

Blueprint Genetics
Classification: Likely benign. Last evaluated: 2024-07-17. Review status: criteria provided, single submitter. Criteria: ACMG Guidelines, 2015. Collection method: clinical testing. Allele origin: germline.

PreventionGenetics, part of Exact Sciences
Classification: Likely benign for GUCA1A-related condition. Last evaluated: 2019-08-20. Review status: no assertion criteria provided. Collection method: clinical testing. Allele origin: germline. Not counted in ClinVar's aggregate classification.
Comment: This variant is classified as likely benign based on ACMG/AMP sequence variant interpretation guidelines (Richards et al. 2015 PMID: 25741868, with internal and published modifications).